The following is an entry in ClinVar:

ClinVar aggregate classification (germline): Uncertain significance (1 of 4 stars; one submission).

Conditions:
Autosomal recessive ataxia, Beauce type. Also called: SYNE1-Related Autosomal Recessive Cerebellar Ataxia; Spinocerebellar ataxia, autosomal recessive 8; ATAXIA, RECESSIVE, OF BEAUCE; SYNE1 Deficiency. Identifiers: Orphanet 88644, MedGen C1853116, MONDO:0012549, OMIM 610743.
Emery-Dreifuss muscular dystrophy 4, autosomal dominant (EDMD4). Also called: EMERY-DREIFUSS MUSCULAR DYSTROPHY 4 WITH VARIABLE FEATURES. Identifiers: Orphanet 261, MedGen C2751807, MONDO:0013071, OMIM 612998.

gnomAD v4.1: 1 of 1,614,130 alleles (0.000062%); highest among the groups gnomAD compares: Non-Finnish European, 0.000085%; no homozygotes.

Submission:

Labcorp Genetics (formerly Invitae), Labcorp
Classification: Uncertain significance for Emery-Dreifuss muscular dystrophy 4, autosomal dominant; Autosomal recessive ataxia, Beauce type. Last evaluated: 2021-03-14. Review status: criteria provided, single submitter. Criteria: Invitae Variant Classification Sherloc (09022015). Collection method: clinical testing. Allele origin: germline.
Comment: This variant has not been reported in the literature in individuals with SYNE1-related conditions. In summary, the available evidence is currently insufficient to determine the role of this variant in disease. Therefore, it has been classified as a Variant of Uncertain Significance. Algorithms developed to predict the effect of missense changes on protein structure and function (SIFT, PolyPhen-2, Align-GVGD) all suggest that this variant is likely to be disruptive, but these predictions have not been confirmed by published functional studies and their clinical significance is uncertain. This variant is not present in population databases (ExAC no frequency). This sequence change replaces leucine with arginine at codon 7526 of the SYNE1 protein (p.Leu7526Arg). The leucine residue is highly conserved and there is a moderate physicochemical difference between leucine and arginine.

NM_182961.4(SYNE1):c.22790T>G (p.Leu7597Arg)

Gene: SYNE1 (spectrin repeat containing nuclear envelope protein 1; minus strand). Cytogenetic location: 6q25.2.
Variant type: single nucleotide variant.
Coding change: c.22790T>G on transcript NM_182961.4 (MANE Select); coding-DNA position 22790, T replaced by G.
Protein change: p.Leu7597Arg; replaces leucine 7597 with arginine.
Molecular consequence: missense variant.
Genome position (GRCh38, 1-based): chr6:152,208,006, A>C on the plus strand (T>G on the coding strand, the complement: SYNE1 is on the minus strand). VCF-style: chr6-152208006-A-C. GRCh37 (hg19) VCF-style: chr6-152529141-A-C.
Other names: c.22577T>G, p.Leu7526Arg (NM_033071.5); short protein forms L7597R, L7526R.
Identifiers: ClinVar variation 1468740 (VCV001468740.8), dbSNP rs2153408771, ClinGen allele CA366095648.
Genomic context (GRCh38, chr6:152,208,006, plus strand): 5'-TGAGAACACTGTGTTTTGCATCTTACCTGCACTTCATCAAAGAGGGTCCTTGCTTGTTGC[A>C]GTGGTATAGGAACACTTCCGAGACCACTCATGGGGAGGTAGGACACTTCAACCAACCATT-3'
Protein context (NP_892006.3, residues 7587-7607): MSGLGSVPIP[Leu7597Arg]QQARTLFDEV